The following is an entry in ClinVar:

NM_000548.5(TSC2):c.3639G>A (p.Glu1213=)

Gene: TSC2 (TSC complex subunit 2; plus strand). Cytogenetic location: 16p13.3.
Variant type: single nucleotide variant.
Coding change: c.3639G>A on transcript NM_000548.5 (MANE Select); coding-DNA position 3639, G replaced by A.
Protein change: p.Glu1213=; no amino-acid change (glutamic acid 1213 retained).
Molecular consequence: synonymous variant.
Genome position (GRCh38, 1-based): chr16:2,081,623, G>A. VCF-style: chr16-2081623-G-A. GRCh37 (hg19) VCF-style: chr16-2131624-G-A.
Other names: c.3510G>A, p.Glu1170= (NM_001363528.2, NM_001370405.1, NM_021055.3); c.3507G>A, p.Glu1169= (NM_001370404.1, NM_001077183.3); c.3639G>A, p.Glu1213= (NM_001114382.3); c.3399G>A, p.Glu1133= (NM_001318827.2); c.3363G>A, p.Glu1121= (NM_001318829.2); c.2907G>A, p.Glu969= (NM_001318831.2); c.3540G>A, p.Glu1180= (NM_001318832.2).
Identifiers: ClinVar variation 507428 (VCV000507428.18), dbSNP rs747862818, ClinGen allele CA047924.

ClinVar aggregate classification (germline): Conflicting classifications of pathogenicity. Review status: criteria provided, conflicting classifications (1 of 4 stars). 6 submissions from 6 submitters: Uncertain significance (1); Benign (2); Likely benign (3). Last evaluated 2026-01-12.

Conditions:
Hereditary cancer-predisposing syndrome. Also called: Hereditary Cancer Syndrome; Tumor predisposition; Neoplastic Syndromes, Hereditary; Hereditary neoplastic syndrome. Identifiers: Orphanet 140162, MedGen C0027672, MeSH D009386, MONDO:0015356.
Tuberous sclerosis 2 (TSC2). Identifiers: Orphanet 805, MedGen C1860707, MONDO:0013199, OMIM 613254.

Allele frequency attached by ClinVar (database versions not stated): gnomAD exomes below 0.00001 and 0.00001; ExAC 0.00001; gnomAD 0.00001; TOPMed 0.00001.
gnomAD v4.1: 6 of 1,612,788 alleles (0.00037%); highest among the groups gnomAD compares: Non-Finnish European, 0.00051%; no homozygotes.

Submissions (6):

Labcorp Genetics (formerly Invitae), Labcorp
Classification: Likely benign for Tuberous sclerosis 2. Last evaluated: 2026-01-12. Review status: criteria provided, single submitter. Criteria: Invitae Variant Classification Sherloc (09022015). Collection method: clinical testing. Allele origin: germline.

Myriad Genetics, Inc.
Classification: Benign for Tuberous sclerosis 2. Last evaluated: 2025-05-30. Review status: criteria provided, single submitter. Criteria: Myriad Autosomal Dominant, Autosomal Recessive and X-Linked Classification Criteria (2023). Collection method: clinical testing. Allele origin: unknown.
Comment: This variant is considered benign. This variant is a silent/synonymous amino acid change and it is not expected to impact splicing.

Quest Diagnostics Nichols Institute San Juan Capistrano
Classification: Uncertain significance. Last evaluated: 2023-10-31. Review status: criteria provided, single submitter. Criteria: Quest Diagnostics criteria. Collection method: clinical testing. Allele origin: unknown.

Genome-Nilou Lab
Classification: Benign for Tuberous sclerosis 2. Last evaluated: 2021-11-07. Review status: criteria provided, single submitter. Criteria: ACMG Guidelines, 2015. Collection method: clinical testing. Allele origin: germline. Affected: no.

Ambry Genetics
Classification: Likely benign for Hereditary cancer-predisposing syndrome. Last evaluated: 2020-10-22. Review status: criteria provided, single submitter. Criteria: Ambry Variant Classification Scheme 2023. Collection method: clinical testing. Allele origin: germline.

GeneDx
Classification: Likely benign. Last evaluated: 2017-02-14. Review status: criteria provided, single submitter. Criteria: GeneDx Variant Classification (06012015). Collection method: clinical testing. Allele origin: germline. Affected: yes.
Comment: This variant is considered likely benign or benign based on one or more of the following criteria: it is a conservative change, it occurs at a poorly conserved position in the protein, it is predicted to be benign by multiple in silico algorithms, and/or has population frequency not consistent with disease.